The following is an entry in ClinVar:

NM_018979.4(WNK1):c.1603G>T (p.Asp535Tyr)

Gene: WNK1 (WNK lysine deficient protein kinase 1; plus strand). Cytogenetic location: 12p13.33.
Variant type: single nucleotide variant.
Coding change: c.1603G>T on transcript NM_018979.4 (MANE Select); coding-DNA position 1603, G replaced by T.
Protein change: p.Asp535Tyr; replaces aspartic acid 535 with tyrosine.
Molecular consequence: missense variant.
Genome position (GRCh38, 1-based): chr12:859,447, G>T. VCF-style: chr12-859447-G-T. GRCh37 (hg19) VCF-style: chr12-968613-G-T.
Other names: c.1603G>T, p.Asp535Tyr (NM_001184985.2, NM_014823.3, NM_213655.5); short protein forms D535Y.
Identifiers: ClinVar variation 962320 (VCV000962320.11), dbSNP rs763675447, ClinGen allele CA383334318.

ClinVar aggregate classification (germline): Uncertain significance. Review status: criteria provided, multiple submitters, no conflicts (2 of 4 stars). 2 submissions from 2 submitters: Uncertain significance (2). Last evaluated 2023-12-27.

Conditions:
Neuropathy, hereditary sensory and autonomic, type 2A (HSAN2A). Also called: ACROOSTEOLYSIS, GIACCAI TYPE; ACROOSTEOLYSIS, NEUROGENIC; WNK1-Related HSAN2 (HSAN2A); HSAN IIA; MORVAN DISEASE; NEUROPATHY, CONGENITAL SENSORY. Identifiers: Orphanet 970, MedGen C2752089, MONDO:0024309, OMIM 201300.
Pseudohypoaldosteronism type 2C (PHA2C). Also called: Pseudohypoaldosteronism Type IIC. Identifiers: Orphanet 757, Orphanet 88940, MedGen C1840391, MONDO:0013778, OMIM 614492.
Inborn genetic diseases. Identifiers: MedGen C0950123, MeSH D030342.

gnomAD v4.1: 5 of 1,611,466 alleles (0.00031%); highest among the groups gnomAD compares: South Asian, 0.0011%; no homozygotes.

Submissions (2):

Ambry Genetics
Classification: Uncertain significance for Inborn genetic diseases. Last evaluated: 2023-12-27. Review status: criteria provided, single submitter. Criteria: Ambry Variant Classification Scheme 2023. Collection method: clinical testing. Allele origin: germline.

Labcorp Genetics (formerly Invitae), Labcorp
Classification: Uncertain significance for Neuropathy, hereditary sensory and autonomic, type 2A; Pseudohypoaldosteronism type 2C. Last evaluated: 2022-08-10. Review status: criteria provided, single submitter. Criteria: Invitae Variant Classification Sherloc (09022015). Collection method: clinical testing. Allele origin: germline.
Comment: In summary, the available evidence is currently insufficient to determine the role of this variant in disease. Therefore, it has been classified as a Variant of Uncertain Significance. Advanced modeling of protein sequence and biophysical properties (such as structural, functional, and spatial information, amino acid conservation, physicochemical variation, residue mobility, and thermodynamic stability) performed at Invitae indicates that this missense variant is not expected to disrupt WNK1 protein function. ClinVar contains an entry for this variant (Variation ID: 962320). This variant has not been reported in the literature in individuals affected with WNK1-related conditions. This variant is not present in population databases (gnomAD no frequency). This sequence change replaces aspartic acid, which is acidic and polar, with tyrosine, which is neutral and polar, at codon 535 of the WNK1 protein (p.Asp535Tyr).